The following is an entry in ClinVar:

ClinVar aggregate classification (germline): Likely pathogenic (1 of 4 stars; one submission).

Conditions:
Congenital myasthenic syndrome (CMS). Also called: Congenital Myasthenic Syndromes. Identifiers: Orphanet 590, MedGen C0751882, MeSH D020294, MONDO:0018940.

Submission:

Natera, Inc.
Classification: Likely pathogenic for Congenital myasthenic syndrome. Last evaluated: 2025-03-07. Review status: criteria provided, single submitter. Criteria: Natera Variant Classification Schema (03/2026). Collection method: clinical testing. Allele origin: germline.
Comment: The c.505_506del variant in CHRNE is a frameshift variant predicted to shift the reading frame beginning at codon 169 and leads to a stop codon 32 codons downstream. This variant is expected to result in nonsense mediated decay, truncation, or a dysfunctional protein product. This variant is rare in the general population with a frequency below the threshold expected for the associated phenotype(s). Given the available evidence, this variant is classified as Likely Pathogenic.

NM_000080.4(CHRNE):c.505_506del (p.Gln169fs)

Genes: C17orf107 (chromosome 17 open reading frame 107; plus strand), CHRNE (cholinergic receptor nicotinic epsilon subunit; minus strand). Cytogenetic location: 17p13.2.
Variant type: Deletion.
Coding change: c.505_506del on transcript NM_000080.4 (MANE Select); coding-DNA positions 505 to 506, 2 bases deleted (CA; older notation c.505_506delCA).
Protein change: p.Gln169fs; shifts the reading frame from glutamine 169.
Molecular consequence: frameshift variant. On other transcripts: 3 prime UTR variant (1).
Genome position (GRCh38, 1-based): chr17:4,901,620-4,901,621, TG deleted on the plus strand (CA on the coding strand, the reverse complement: CHRNE is on the minus strand). VCF-style (leftmost placement, unchanged base first): chr17-4901619-CTG-C. GRCh37 (hg19) VCF-style: chr17-4804914-CTG-C.
Other names: c.*1087_*1088del (NM_001145536.2); short protein forms Q169fs.
Identifiers: ClinVar variation 4064717 (VCV004064717.2).